The following is an entry in ClinVar:

GRCh38/hg38 8p23.1(chr8:7411297-8273167)x3

Genes: DEFB103A (defensin beta 103A; plus strand), DEFB103B (defensin beta 103B), DEFB104A (defensin beta 104A; plus strand), DEFB104B (defensin beta 104B), DEFB105A (defensin beta 105A; minus strand) and 38 more. Cytogenetic location: 8p23.1.
Variant type: copy number gain.
Change: copy number 3 (three copies instead of two) of chr8:7,411,297-8,273,167 (861.9 kb, GRCh38 coordinates, 1-based), cytogenetic band 8p23.1.
Identifiers: ClinVar variation 57103 (VCV000057103.1).

ClinVar aggregate classification (germline): Benign (1 of 4 stars; one submission).

Submission:

ISCA site 4
Classification: Benign. Last evaluated: 2011-08-12. Review status: criteria provided, single submitter. Criteria: Kaminsky et al. (Genet Med. 2011). Collection method: clinical testing. Allele origin: unknown. Affected: yes. Observed: 1 variant allele.
Comment: Copy number variation identified through the course of routine clinical cytogenomic testing in postnatal populations. Clinical assertions have been curated as described in Kaminsky et al. 2011.